The following is an entry in ClinVar:

ClinVar aggregate classification (germline): Uncertain significance (1 of 4 stars; one submission).

Allele frequency attached by ClinVar (database versions not stated): ExAC 0.00001; gnomAD exomes 0.00001 and 0.00002; TOPMed 0.00005; gnomAD 0.00007 and 0.00009.
gnomAD v4.1: 19 of 1,546,344 alleles (0.0012%); highest among the groups gnomAD compares: African/African-American, 0.022%; no homozygotes.

Submission:

Labcorp Genetics (formerly Invitae), Labcorp
Classification: Uncertain significance. Last evaluated: 2024-10-16. Review status: criteria provided, single submitter. Criteria: Invitae Variant Classification Sherloc (09022015). Collection method: clinical testing. Allele origin: germline.
Comment: This sequence change replaces arginine, which is basic and polar, with glycine, which is neutral and non-polar, at codon 1737 of the SI protein (p.Arg1737Gly). This variant is present in population databases (rs759533396, gnomAD 0.02%). This variant has not been reported in the literature in individuals affected with SI-related conditions. ClinVar contains an entry for this variant (Variation ID: 1380041). Invitae Evidence Modeling of protein sequence and biophysical properties (such as structural, functional, and spatial information, amino acid conservation, physicochemical variation, residue mobility, and thermodynamic stability) indicates that this missense variant is not expected to disrupt SI protein function with a negative predictive value of 95%. In summary, the available evidence is currently insufficient to determine the role of this variant in disease. Therefore, it has been classified as a Variant of Uncertain Significance.

NM_001041.4(SI):c.5209A>G (p.Arg1737Gly)

Gene: SI (sucrase-isomaltase; minus strand). Cytogenetic location: 3q26.1.
Variant type: single nucleotide variant.
Coding change: c.5209A>G on transcript NM_001041.4 (MANE Select); coding-DNA position 5209, A replaced by G.
Protein change: p.Arg1737Gly; replaces arginine 1737 with glycine.
Molecular consequence: missense variant.
Genome position (GRCh38, 1-based): chr3:164,983,040, T>C on the plus strand (A>G on the coding strand, the complement: SI is on the minus strand). VCF-style: chr3-164983040-T-C. GRCh37 (hg19) VCF-style: chr3-164700828-T-C.
Other names: short protein forms R1737G.
Identifiers: ClinVar variation 1380041 (VCV001380041.6), dbSNP rs759533396, ClinGen allele CA2689598.
Genomic context (GRCh38, chr3:164,983,040, plus strand): 5'-GCATATAAATAATCTTACATACCTGGTTTAAATTAAATTGTACAGATAAATATAGGTCTC[T>C]TTCATAGGTGTCTGTAGAGAGAGAAAAAAAATGTGATATATTGTTATTTCCAAAGAAGAA-3'
Protein context (NP_001032.2, residues 1727-1747): DDGESIDTYE[Arg1737Gly]DLYLSVQFNL